The following is an entry in ClinVar:

ClinVar aggregate classification (germline): Uncertain significance (1 of 4 stars; one submission).

gnomAD v4.1: 8 of 1,613,248 alleles (0.0005%); highest among the groups gnomAD compares: Non-Finnish European, 0.00051%; no homozygotes.

Submission:

Labcorp Genetics (formerly Invitae), Labcorp
Classification: Uncertain significance. Last evaluated: 2024-05-15. Review status: criteria provided, single submitter. Criteria: Invitae Variant Classification Sherloc (09022015). Collection method: clinical testing. Allele origin: germline.
Comment: This sequence change falls in intron 10 of the DOCK6 gene. It does not directly change the encoded amino acid sequence of the DOCK6 protein. It affects a nucleotide within the consensus splice site. This variant is present in population databases (rs775763601, gnomAD 0.0009%). This variant has not been reported in the literature in individuals affected with DOCK6-related conditions. Variants that disrupt the consensus splice site are a relatively common cause of aberrant splicing (PMID: 17576681, 9536098). Algorithms developed to predict the effect of sequence changes on RNA splicing suggest that this variant is not likely to affect RNA splicing. In summary, the available evidence is currently insufficient to determine the role of this variant in disease. Therefore, it has been classified as a Variant of Uncertain Significance.

Literature cited by the submitters: PubMed 17576681; PubMed 9536098.

NM_020812.4(DOCK6):c.1104+5G>A

Gene: DOCK6 (dedicator of cytokinesis 6; minus strand). Cytogenetic location: 19p13.2.
Variant type: single nucleotide variant.
Coding change: c.1104+5G>A on transcript NM_020812.4 (MANE Select); 5 bases into the intron after coding-DNA position 1104, G replaced by A.
Molecular consequence: intron variant.
Genome position (GRCh38, 1-based): chr19:11,243,797, C>T on the plus strand (G>A on the coding strand, the complement: DOCK6 is on the minus strand). VCF-style: chr19-11243797-C-T. GRCh37 (hg19) VCF-style: chr19-11354473-C-T.
Other names: c.1104+5G>A (NM_001367830.1).
Identifiers: ClinVar variation 3719452 (VCV003719452.2).